The following is an entry in ClinVar:

ClinVar aggregate classification (germline): Uncertain significance. Review status: criteria provided, multiple submitters, no conflicts (2 of 4 stars). 2 submissions from 2 submitters: Uncertain significance (2). Last evaluated 2023-09-05.

Conditions:
Epilepsy, familial focal, with variable foci 3 (FFEVF3). Identifiers: MedGen C4310708, MONDO:0014925, OMIM 617118.

Submissions (2):

Blueprint Genetics
Classification: Uncertain significance. Last evaluated: 2023-09-05. Review status: criteria provided, single submitter. Criteria: ACMG Guidelines, 2015. Collection method: clinical testing. Allele origin: germline.

Labcorp Genetics (formerly Invitae), Labcorp
Classification: Uncertain significance for Epilepsy, familial focal, with variable foci 3. Last evaluated: 2020-01-02. Review status: criteria provided, single submitter. Criteria: Invitae Variant Classification Sherloc (09022015). Collection method: clinical testing. Allele origin: germline.
Comment: This sequence change falls in intron 13 of the NPRL3 gene. It does not directly change the encoded amino acid sequence of the NPRL3 protein, but it affects a nucleotide within the consensus splice site of the intron. In summary, the available evidence is currently insufficient to determine the role of this variant in disease. Therefore, it has been classified as a Variant of Uncertain Significance. Nucleotide substitutions within the consensus splice site are a relatively common cause of aberrant splicing (PMID: 17576681, 9536098). This variant has not been reported in the literature in individuals with NPRL3-related conditions. This variant is not present in population databases (ExAC no frequency).

Literature cited by the submitters: PubMed 17576681 (cited by Labcorp Genetics (formerly Invitae), Labcorp); PubMed 9536098 (cited by Labcorp Genetics (formerly Invitae), Labcorp).

NM_001077350.3(NPRL3):c.1544+3_1544+5del

Genes: HBA-LCR (alpha-globin locus control region; plus strand), NPRL3 (NPR3 like, GATOR1 complex subunit; minus strand). Cytogenetic location: 16p13.3.
Variant type: Deletion.
Coding change: c.1544+3_1544+5del on transcript NM_001077350.3 (MANE Select); bases 3 to 5 of the intron after coding-DNA position 1544, 3 bases deleted (GGG; older notation c.1544+3_1544+5delGGG).
Molecular consequence: intron variant.
Genome position (GRCh38, 1-based): chr16:88,693-88,695, CCC deleted on the plus strand (GGG on the coding strand, the reverse complement: NPRL3 is on the minus strand). VCF-style (leftmost placement, unchanged base first): chr16-88692-ACCC-A. GRCh37 (hg19) VCF-style: chr16-138691-ACCC-A.
Other names: c.1310+3_1310+5del (NM_001243247.2); c.1469+3_1469+5del (NM_001243248.2, NM_001243249.2); c.1007+3_1007+5del (NM_001039476.3).
Identifiers: ClinVar variation 863785 (VCV000863785.8), dbSNP rs1898611086, ClinGen allele CA916083455.